The following is an entry in ClinVar:

ClinVar aggregate classification (germline): Uncertain significance (1 of 4 stars; one submission).

Submission:

Ambry Genetics
Classification: Uncertain significance. Last evaluated: 2025-02-26. Review status: criteria provided, single submitter. Criteria: Ambry Variant Classification Scheme 2023. Collection method: clinical testing. Allele origin: germline.
Comment: The p.S430L variant (also known as c.1289C>T), located in coding exon 9 of the RINT1 gene, results from a C to T substitution at nucleotide position 1289. The serine at codon 430 is replaced by leucine, an amino acid with dissimilar properties. This amino acid position is conserved. In addition, this alteration is predicted to be tolerated by in silico analysis. Based on the available evidence, the clinical significance of this variant remains unclear.

NM_021930.6(RINT1):c.1289C>T (p.Ser430Leu)

Gene: RINT1 (RAD50 interactor 1; plus strand). Cytogenetic location: 7q22.3.
Variant type: single nucleotide variant.
Coding change: c.1289C>T on transcript NM_021930.6 (MANE Select); coding-DNA position 1289, C replaced by T.
Protein change: p.Ser430Leu; replaces serine 430 with leucine.
Molecular consequence: missense variant. On other transcripts: non-coding transcript variant (1).
Genome position (GRCh38, 1-based): chr7:105,550,442, C>T. VCF-style: chr7-105550442-C-T. GRCh37 (hg19) VCF-style: chr7-105190889-C-T.
Other names: c.1055C>T, p.Ser352Leu (NM_001346599.2); c.266C>T, p.Ser89Leu (NM_001346600.2, NM_001346603.2); c.365C>T, p.Ser122Leu (NM_001346601.2); short protein forms S89L, S122L, S352L, S430L.
Identifiers: ClinVar variation 3789201 (VCV003789201.1).